The following is an entry in ClinVar:

NM_021930.6(RINT1):c.559_562dup (p.Ala188fs)

Gene: RINT1 (RAD50 interactor 1; plus strand). Cytogenetic location: 7q22.3.
Variant type: Duplication.
Coding change: c.559_562dup on transcript NM_021930.6 (MANE Select); coding-DNA positions 559 to 562, 4 bases duplicated (GCAG; older notation c.559_562dupGCAG).
Protein change: p.Ala188fs; shifts the reading frame from alanine 188.
Molecular consequence: frameshift variant. On other transcripts: 5 prime UTR variant (2), non-coding transcript variant (1), intron variant (1).
Genome position (GRCh38, 1-based): chr7:105,546,953-105,546,956, GCAG duplicated; duplicating any 4 consecutive bases within chr7:105,546,951-105,546,956 gives the same sequence; the c. name uses the placement nearest the transcript's 3' end. VCF-style (leftmost placement, unchanged base first): chr7-105546950-G-GAGGC. GRCh37 (hg19) VCF-style: chr7-105187397-G-GAGGC.
Other names: c.325_328dup, p.Ala110fs (NM_001346599.2); c.-461_-458dup (NM_001346600.2); c.-364_-361dup (NM_001346601.2); c.-27-3102_-27-3099dup (NM_001346603.2); short protein forms A110fs, A188fs.
Identifiers: ClinVar variation 3433548 (VCV003433548.1).

ClinVar aggregate classification (germline): Uncertain significance (1 of 4 stars; one submission).

Submission:

Ambry Genetics
Classification: Uncertain significance. Last evaluated: 2024-08-28. Review status: criteria provided, single submitter. Criteria: Ambry Variant Classification Scheme 2023. Collection method: clinical testing. Allele origin: germline.
Comment: The c.559_562dupGCAG variant, located in coding exon 5 of the RINT1 gene, results from a duplication of GCAG at nucleotide position 559, causing a translational frameshift with a predicted alternate stop codon (p.A188Gfs*12). This alteration is expected to result in loss of function by premature protein truncation or nonsense-mediated mRNA decay. The evidence for this gene-disease relationship is limited; therefore, the clinical significance of this alteration is unclear.